The following is an entry in ClinVar:

NM_000138.5(FBN1):c.5789-15G>A

Gene: FBN1 (fibrillin 1; minus strand). Cytogenetic location: 15q21.1.
Variant type: single nucleotide variant.
Coding change: c.5789-15G>A on transcript NM_000138.5 (MANE Select); 15 bases into the intron before coding-DNA position 5789, G replaced by A.
Molecular consequence: intron variant.
Genome position (GRCh38, 1-based): chr15:48,445,519, C>T on the plus strand (G>A on the coding strand, the complement: FBN1 is on the minus strand). VCF-style: chr15-48445519-C-T. GRCh37 (hg19) VCF-style: chr15-48737716-C-T.
Other names: c.5789-15G>A (NM_001406716.1).
Identifiers: ClinVar variation 3776104 (VCV003776104.1).

ClinVar aggregate classification (germline): Likely pathogenic (1 of 4 stars; one submission).

Conditions:
Marfan syndrome (MFS). Also called: MARFAN SYNDROME, TYPE I; Marfan syndrome type 1; Marfan's syndrome; Marfan syndrome, classic; FBN1-Related Marfan Syndrome. Identifiers: Orphanet 284963, Orphanet 558, MedGen C0024796, MONDO:0007947, OMIM 154700.

Submission:

3billion
Classification: Likely pathogenic for Marfan syndrome. Last evaluated: 2024-02-27. Review status: criteria provided, single submitter. Criteria: ACMG Guidelines, 2015. Collection method: clinical testing. Allele origin: germline. Affected: yes.
Comment: The variant is not observed in the gnomAD v2.1.1 dataset. Predicted Consequence/Location: Intron variant Functional studies provide moderate evidence of the variant having a damaging effect on the gene or gene product (PMID: 35067677). In silico tools predict the variant to alter splicing and produce an abnormal transcript [SpliceAI: 0.62 (>=0.2, moderate evidence for spliceogenicity)]. The variant has been reported to be associated with FBN1 related disorder (PMID: 35067677). Therefore, this variant is classified as Likely pathogenic according to the recommendation of ACMG/AMP guideline.

Literature cited by the submitters: PubMed 35067677.